The following is an entry in ClinVar:

NM_004973.4(JARID2):c.995C>T (p.Pro332Leu)

Gene: JARID2 (jumonji and AT-rich interaction domain containing 2; plus strand). Cytogenetic location: 6p22.3.
Variant type: single nucleotide variant.
Coding change: c.995C>T on transcript NM_004973.4 (MANE Select); coding-DNA position 995, C replaced by T.
Protein change: p.Pro332Leu; replaces proline 332 with leucine.
Molecular consequence: missense variant.
Genome position (GRCh38, 1-based): chr6:15,496,220, C>T. VCF-style: chr6-15496220-C-T. GRCh37 (hg19) VCF-style: chr6-15496451-C-T.
Other names: c.479C>T, p.Pro160Leu (NM_001267040.1); short protein forms P160L, P332L.
Identifiers: ClinVar variation 3392642 (VCV003392642.2).
Genomic context (GRCh38, chr6:15,496,220, plus strand): 5'-TGTCATCTCTGGGTGCAGGTGTAACCAGTGCCAAAAAGATGCGCGAGGTCAGACCTTCAC[C>T]ATCCAAAACTGTGAAGTACACTGCCACGGTGACGAAGGGGGCTGTCACATACACCAAAGC-3'
Protein context (NP_004964.2, residues 322-342): AKKMREVRPS[Pro332Leu]SKTVKYTATV

ClinVar aggregate classification (germline): Uncertain significance (1 of 4 stars; one submission).

Submission:

GeneDx
Classification: Uncertain significance. Last evaluated: 2025-06-03. Review status: criteria provided, single submitter. Criteria: GeneDx Variant Classification Process June 2021. Collection method: clinical testing. Allele origin: germline.
Comment: Not observed at significant frequency in large population cohorts (gnomAD); In silico analysis supports that this missense variant has a deleterious effect on protein structure/function; Has not been previously published as pathogenic or benign to our knowledge